The following is an entry in ClinVar:

ClinVar aggregate classification (germline): Uncertain significance (1 of 4 stars; one submission).

Conditions:
Cardiovascular phenotype. Identifiers: MedGen CN230736.

Submission:

Ambry Genetics
Classification: Uncertain significance for Cardiovascular phenotype. Last evaluated: 2024-12-09. Review status: criteria provided, single submitter. Criteria: Ambry Variant Classification Scheme 2023. Collection method: clinical testing. Allele origin: germline.
Comment: The p.V72M variant (also known as c.214G>A), located in coding exon 1 of the PKP2 gene, results from a G to A substitution at nucleotide position 214. The valine at codon 72 is replaced by methionine, an amino acid with highly similar properties. This amino acid position is conserved. In addition, this alteration is predicted to be tolerated by in silico analysis. Based on the available evidence, the clinical significance of this variant remains unclear.

NM_001005242.3(PKP2):c.214G>A (p.Val72Met)

Gene: PKP2 (plakophilin 2; minus strand). Cytogenetic location: 12p11.21.
Variant type: single nucleotide variant.
Coding change: c.214G>A on transcript NM_001005242.3 (MANE Select); coding-DNA position 214, G replaced by A.
Protein change: p.Val72Met; replaces valine 72 with methionine.
Molecular consequence: missense variant. On other transcripts: 5 prime UTR variant (4).
Genome position (GRCh38, 1-based): chr12:32,896,518, C>T on the plus strand (G>A on the coding strand, the complement: PKP2 is on the minus strand). VCF-style: chr12-32896518-C-T. GRCh37 (hg19) VCF-style: chr12-33049452-C-T.
Other names: c.214G>A, p.Val72Met (NM_001407155.1, NM_001407156.1, NM_001407157.1 and 2 more transcripts); c.-613G>A (NM_001407158.1, NM_001407162.1); c.-377G>A (NM_001407159.1, NM_001407160.1); short protein forms V72M.
Identifiers: ClinVar variation 3419541 (VCV003419541.1).